The following is an entry in ClinVar:

NM_001122630.2(CDKN1C):c.584_602dup (p.Ala202fs)

Gene: CDKN1C (cyclin dependent kinase inhibitor 1C; minus strand). Cytogenetic location: 11p15.4.
Variant type: Indel.
Coding change: c.584_602dup on transcript NM_001122630.2 (MANE Select); coding-DNA positions 584 to 602, 19 bases duplicated (CGGCCCCGGCCCCCGCCCC).
Protein change: p.Ala202fs; shifts the reading frame from alanine 202.
Molecular consequence: frameshift variant. On other transcripts: intron variant (1).
Genome position (GRCh38, 1-based): chr11:2,884,855-2,884,873, GGGGCGGGGGCCGGGGCCG duplicated on the plus strand (CGGCCCCGGCCCCCGCCCC on the coding strand, the reverse complement: CDKN1C is on the minus strand); duplicating any 19 consecutive bases within chr11:2,884,855-2,884,876 gives the same sequence; the c. name uses the placement nearest the transcript's 3' end. VCF-style (leftmost placement, unchanged base first): chr11-2884854-C-CGGGGCGGGGGCCGGGGCCG. GRCh37 (hg19) VCF-style: chr11-2906084-C-CGGGGCGGGGGCCGGGGCCG.
Other names: c.617_635dup, p.Ala213fs (NM_000076.2, NM_001362474.2); c.584_602dup, p.Ala202fs (NM_001122631.2); c.255+329_255+347dup (NM_001362475.2); short protein forms A202fs, A213fs.
Identifiers: ClinVar variation 4072412 (VCV004072412.1).

ClinVar aggregate classification (germline): Likely pathogenic (1 of 4 stars; one submission).

Conditions:
Beckwith-Wiedemann syndrome (BWS). Also called: Exomphalos macroglossia gigantism syndrome; EMG SYNDROME. Identifiers: Orphanet 116, MedGen C0004903, MONDO:0007534, OMIM 130650.

Submission:

Department of Pediatrics, The Second Hospital of Hebei Medical University
Classification: Likely pathogenic for Beckwith-Wiedemann syndrome. Last evaluated: 2025-07-30. Review status: criteria provided, single submitter. Criteria: ACMG Guidelines, 2015. Collection method: clinical testing. Allele origin: maternal. Inheritance: Autosomal dominant inheritance with maternal imprinting. Affected: yes.
Comment: The NM_001362474.2 c.617_635dup is a frameshift variant in CDKN1C, which is predicted to result in a frameshift starting at alanine 213 (Ala213GlyfsTer34) and introducing a premature stop codon at position 34 after the shift, likely resulting in an absent or truncated protein product (PVS1). This variant is not present in gnomAD (PM2), indicating a very low population frequency. In summary, this variant meets criteria to be classified as likely pathogenic based on the ACMG/AMP criteria, as specified by the relevant guidelines: PVS1, PM2.